The following is an entry in ClinVar:

ClinVar aggregate classification (germline): Pathogenic (1 of 4 stars; one submission).

Conditions:
Wilson disease (WND). Also called: Wilson's disease. Identifiers: Orphanet 905, MedGen C0019202, MONDO:0010200, OMIM 277900. Disease mechanism: loss of function.

Submission:

Labcorp Genetics (formerly Invitae), Labcorp
Classification: Pathogenic for Wilson disease. Last evaluated: 2023-09-12. Review status: criteria provided, single submitter. Criteria: Invitae Variant Classification Sherloc (09022015). Collection method: clinical testing. Allele origin: germline.
Comment: For these reasons, this variant has been classified as Pathogenic. This variant is also known as 2662delG. This premature translational stop signal has been observed in individual(s) with ATP7B-related conditions (PMID: 10453196). This variant is not present in population databases (gnomAD no frequency). This sequence change creates a premature translational stop signal (p.Val966*) in the ATP7B gene. It is expected to result in an absent or disrupted protein product. Loss-of-function variants in ATP7B are known to be pathogenic (PMID: 10441329, 16283883).

Literature cited by the submitters: PubMed 10453196; PubMed 10441329; PubMed 16283883.

NM_000053.4(ATP7B):c.2896del (p.Glu965_Val966insTer)

Gene: ATP7B (ATPase copper transporting beta; minus strand). Cytogenetic location: 13q14.3.
Variant type: Deletion.
Coding change: c.2896del on transcript NM_000053.4 (MANE Select); coding-DNA position 2896, one base deleted (G; older notation c.2896delG).
Protein change: p.Glu965_Val966insTer.
Molecular consequence: nonsense. On other transcripts: intron variant (6).
Genome position (GRCh38, 1-based): chr13:51,946,448, C deleted on the plus strand (G on the coding strand, the reverse complement: ATP7B is on the minus strand); the first of 2 consecutive C bases (chr13:51,946,448-51,946,449); deleting either gives the same sequence. VCF-style (leftmost placement, unchanged base first): chr13-51946447-AC-A. GRCh37 (hg19) VCF-style: chr13-52520583-AC-A.
Other names: c.2275del, p.Glu758_Val759insTer (NM_001005918.3); c.2563del, p.Glu854_Val855insTer (NM_001243182.2); c.2662del, p.Glu887_Val888insTer (NM_001330578.2, NM_001406527.1, NM_001406528.1 and 1 more transcripts); c.2644del, p.Glu881_Val882insTer (NM_001330579.2, NM_001406531.1, NM_001406532.1); c.2896del, p.Glu965_Val966insTer (NM_001406511.1, NM_001406512.1, NM_001406513.1 and 2 more transcripts); c.2863del, p.Glu954_Val955insTer (NM_001406514.1); c.2842del, p.Glu947_Val948insTer (NM_001406515.1, NM_001406516.1); c.2800del, p.Glu933_Val934insTer (NM_001406517.1, NM_001406518.1); and 18 more.
Identifiers: ClinVar variation 2760254 (VCV002760254.3), dbSNP rs2547647866, ClinGen allele CA2697551868.